The following is an entry in ClinVar:

ClinVar aggregate classification (germline): Uncertain significance. Review status: criteria provided, multiple submitters, no conflicts (2 of 4 stars). 3 submissions from 3 submitters: Uncertain significance (2). 1 of the submissions does not count toward it. Last evaluated 2025-09-30.

Conditions:
INTU-related disorder. Also called: INTU-related condition.
Inborn genetic diseases. Identifiers: MedGen C0950123, MeSH D030342.

Allele frequency attached by ClinVar (database versions not stated): ExAC 0.00006; ESP Exome Variant Server 0.00015; gnomAD 0.00015; TOPMed 0.00031.
gnomAD v4.1: 39 of 1,538,018 alleles (0.0025%); highest among the groups gnomAD compares: Admixed American, 0.029%; no homozygotes.

Submissions (3):

Labcorp Genetics (formerly Invitae), Labcorp
Classification: Uncertain significance. Last evaluated: 2025-09-30. Review status: criteria provided, single submitter. Criteria: Invitae Variant Classification Sherloc (09022015). Collection method: clinical testing. Allele origin: germline.
Comment: This sequence change replaces alanine, which is neutral and non-polar, with valine, which is neutral and non-polar, at codon 804 of the INTU protein (p.Ala804Val). This variant is present in population databases (rs146199622, gnomAD 0.03%). This variant has not been reported in the literature in individuals affected with INTU-related conditions. ClinVar contains an entry for this variant (Variation ID: 2174334). Invitae Evidence Modeling of protein sequence and biophysical properties (such as structural, functional, and spatial information, amino acid conservation, physicochemical variation, residue mobility, and thermodynamic stability) indicates that this missense variant is not expected to disrupt INTU protein function with a negative predictive value of 80%. In summary, the available evidence is currently insufficient to determine the role of this variant in disease. Therefore, it has been classified as a Variant of Uncertain Significance.

Ambry Genetics
Classification: Uncertain significance for Inborn genetic diseases. Last evaluated: 2023-11-14. Review status: criteria provided, single submitter. Criteria: Ambry Variant Classification Scheme 2023. Collection method: clinical testing. Allele origin: germline.

PreventionGenetics, part of Exact Sciences
Classification: Uncertain significance for INTU-related condition. Last evaluated: 2024-06-03. Review status: no assertion criteria provided. Collection method: clinical testing. Allele origin: germline. Not counted in ClinVar's aggregate classification.
Comment: The INTU c.2411C>T variant is predicted to result in the amino acid substitution p.Ala804Val. To our knowledge, this variant has not been reported in the literature. This variant is reported in 0.041% of alleles in individuals of African descent in gnomAD. At this time, the clinical significance of this variant is uncertain due to the absence of conclusive functional and genetic evidence.

NM_015693.4(INTU):c.2411C>T (p.Ala804Val)

Gene: INTU (inturned planar cell polarity protein; plus strand). Cytogenetic location: 4q28.1.
Variant type: single nucleotide variant.
Coding change: c.2411C>T on transcript NM_015693.4 (MANE Select); coding-DNA position 2411, C replaced by T.
Protein change: p.Ala804Val; replaces alanine 804 with valine.
Molecular consequence: missense variant.
Genome position (GRCh38, 1-based): chr4:127,710,954, C>T. VCF-style: chr4-127710954-C-T. GRCh37 (hg19) VCF-style: chr4-128632109-C-T.
Other names: c.2411C>T (NM_015693.3); short protein forms A804V.
Identifiers: ClinVar variation 2174334 (VCV002174334.6), dbSNP rs146199622, ClinGen allele CA3075331.
Genomic context (GRCh38, chr4:127,710,954, plus strand): 5'-GATTTTTTTTCTTTTTAAGACTGACATCTGGTCCTGAGAACACACTTTTCCACTACGTTG[C>T]CTTAGAAACAGTGCAAGGAATCTTTATTACTCCTACCCTTGAAGAGGTGGCACAGCTAAG-3'
Protein context (NP_056508.2, residues 794-814): GPENTLFHYV[Ala804Val]LETVQGIFIT